The following is an entry in ClinVar:

NM_000191.3(HMGCL):c.750+2T>C

Gene: HMGCL (3-hydroxy-3-methylglutaryl-CoA lyase; minus strand). Cytogenetic location: 1p36.11.
Variant type: single nucleotide variant.
Coding change: c.750+2T>C on transcript NM_000191.3 (MANE Select); the canonical splice donor site of the intron after coding-DNA position 750, T replaced by C.
Molecular consequence: splice donor variant.
Genome position (GRCh38, 1-based): chr1:23,808,133, A>G on the plus strand (T>C on the coding strand, the complement: HMGCL is on the minus strand). VCF-style: chr1-23808133-A-G. GRCh37 (hg19) VCF-style: chr1-24134623-A-G.
Other names: c.537+2T>C (NM_001166059.2).
Identifiers: ClinVar variation 2747196 (VCV002747196.4), dbSNP rs2521404010, ClinGen allele CA339023029.
Genomic context (GRCh38, chr1:23,808,133, plus strand): 5'-ATGATAACAAGCTGTCCTGCCCACCGTGACCTTTGGGAGAATGGGCATATGCTTTTGATT[A>G]CCTGCAGGGCCATCAAGGTGTTGGCCAGGGCTTGACCATAGGTGTCATGGCAGTGGACAG-3'

ClinVar aggregate classification (germline): Likely pathogenic (1 of 4 stars; one submission).

Conditions:
Deficiency of hydroxymethylglutaryl-CoA lyase (HMGCLD). Also called: HMGCL DEFICIENCY; HYDROXYMETHYLGLUTARIC ACIDURIA; Defect in leucine metabolism; 3-hydroxy-3-methylglutaric aciduria; HMG-CoA LYASE DEFICIENCY. Identifiers: Orphanet 20, MedGen C1533587, MONDO:0009520, OMIM 246450.

Allele frequency attached by ClinVar (database versions not stated): gnomAD exomes below 0.00001.
gnomAD v4.1: 1 of 1,613,388 alleles (0.000062%); highest among the groups gnomAD compares: Non-Finnish European, 0.000085%; no homozygotes.

Submissions (2):

Labcorp Genetics (formerly Invitae), Labcorp
Classification: Likely pathogenic for Deficiency of hydroxymethylglutaryl-CoA lyase. Last evaluated: 2023-07-26. Review status: criteria provided, single submitter. Criteria: Invitae Variant Classification Sherloc (09022015). Collection method: clinical testing. Allele origin: germline.
Comment: In summary, the currently available evidence indicates that the variant is pathogenic, but additional data are needed to prove that conclusively. Therefore, this variant has been classified as Likely Pathogenic. Algorithms developed to predict the effect of sequence changes on RNA splicing suggest that this variant may disrupt the consensus splice site. This variant has not been reported in the literature in individuals affected with HMGCL-related conditions. This variant is not present in population databases (gnomAD no frequency). This sequence change affects a donor splice site in intron 7 of the HMGCL gene. It is expected to disrupt RNA splicing. Variants that disrupt the donor or acceptor splice site typically lead to a loss of protein function (PMID: 16199547), and loss-of-function variants in HMGCL are known to be pathogenic (PMID: 9817922, 17692550, 23465862).

Dr. Peter K. Rogan Lab, Western University
No classification provided (evidence only). Condition: Ovarian serous cystadenocarcinoma. Review status: no classification provided. Collection method: in vitro. Allele origin: not applicable. Functional consequence: retained intron. Not counted in ClinVar's aggregate classification.

Literature cited by the submitters: PubMed 16199547 (cited by Labcorp Genetics (formerly Invitae), Labcorp); PubMed 9817922 (cited by Labcorp Genetics (formerly Invitae), Labcorp); PubMed 17692550 (cited by Labcorp Genetics (formerly Invitae), Labcorp); PubMed 23465862 (cited by Labcorp Genetics (formerly Invitae), Labcorp).